The following is an entry in ClinVar:

ClinVar aggregate classification (germline): Benign/Likely benign. Review status: criteria provided, multiple submitters, no conflicts (2 of 4 stars). 3 submissions from 3 submitters: Benign (1); Likely benign (2). Last evaluated 2025-01-11.

Conditions:
Lynch syndrome 5 (LYNCH5). Also called: Colorectal cancer, hereditary nonpolyposis, type 5; Hereditary non-polyposis colorectal cancer, type 5. Identifiers: Orphanet 144, MedGen C1833477, MONDO:0013710, OMIM 614350. Disease mechanism: loss of function.
Hereditary cancer-predisposing syndrome. Also called: Hereditary neoplastic syndrome; Tumor predisposition; Hereditary Cancer Syndrome; Neoplastic Syndromes, Hereditary. Identifiers: Orphanet 140162, MedGen C0027672, MeSH D009386, MONDO:0015356.

Allele frequency attached by ClinVar (database versions not stated): gnomAD exomes below 0.00001.
gnomAD v4.1: 1 of 1,614,154 alleles (0.000062%); highest among the groups gnomAD compares: Non-Finnish European, 0.000085%; no homozygotes.

Submissions (3):

Ambry Genetics
Classification: Likely benign for Hereditary cancer-predisposing syndrome. Last evaluated: 2025-01-11. Review status: criteria provided, single submitter. Criteria: Ambry Variant Classification Scheme 2023. Collection method: clinical testing. Allele origin: germline.

Myriad Genetics, Inc.
Classification: Benign for Lynch syndrome 5. Last evaluated: 2024-12-20. Review status: criteria provided, single submitter. Criteria: Myriad Autosomal Dominant, Autosomal Recessive and X-Linked Classification Criteria (2023). Collection method: clinical testing. Allele origin: unknown.
Comment: This variant is considered benign. This variant is a silent/synonymous amino acid change and it is not expected to impact splicing.

Color Diagnostics, LLC DBA Color Health
Classification: Likely benign for Hereditary cancer-predisposing syndrome. Last evaluated: 2016-02-24. Review status: criteria provided, single submitter. Criteria: ACMG Guidelines, 2015. Collection method: clinical testing. Allele origin: germline.

NM_000179.3(MSH6):c.1044C>T (p.Ser348=)

Gene: MSH6 (mutS homolog 6; plus strand). Cytogenetic location: 2p16.3.
Variant type: single nucleotide variant.
Coding change: c.1044C>T on transcript NM_000179.3 (MANE Select); coding-DNA position 1044, C replaced by T.
Protein change: p.Ser348=; no amino-acid change (serine 348 retained).
Molecular consequence: synonymous variant.
Genome position (GRCh38, 1-based): chr2:47,799,027, C>T. VCF-style: chr2-47799027-C-T. GRCh37 (hg19) VCF-style: chr2-48026166-C-T.
Other names: c.654C>T, p.Ser218= (NM_001281492.2); c.138C>T, p.Ser46= (NM_001281493.2, NM_001281494.2).
Identifiers: ClinVar variation 491862 (VCV000491862.5), dbSNP rs587779202, ClinGen allele CA426120825.
Genomic context (GRCh38, chr2:47,799,027, plus strand): 5'-CATTTCATCAGAAACCAAGAATACTTTGAGAGCTTTCTCTGCCCCTCAAAATTCTGAATC[C>T]CAAGCCCACGTTAGTGGAGGTGGTGATGACAGTAGTCGCCCTACTGTTTGGTATCATGAA-3'
Protein context (NP_000170.1, residues 338-358): RAFSAPQNSE[Ser348=]QAHVSGGGDD